The following is an entry in ClinVar:

NM_004204.5(PIGQ):c.*81C>T

Gene: PIGQ (phosphatidylinositol glycan anchor biosynthesis class Q; plus strand). Cytogenetic location: 16p13.3.
Variant type: single nucleotide variant.
Coding change: c.*81C>T on transcript NM_004204.5 (MANE Select); 81 bases downstream of the stop codon, C replaced by T.
Molecular consequence: 3 prime UTR variant. On other transcripts: missense variant (1).
Genome position (GRCh38, 1-based): chr16:583,116, C>T. VCF-style: chr16-583116-C-T. GRCh37 (hg19) VCF-style: chr16-633116-C-T.
Other names: c.1765C>T, p.Arg589Cys (NM_148920.4); short protein forms R589C.
Identifiers: ClinVar variation 3025765 (VCV003025765.22), dbSNP rs750660902, ClinGen allele CA7780534.

ClinVar aggregate classification (germline): Uncertain significance (1 of 4 stars; one submission).

Allele frequency attached by ClinVar (database versions not stated): ExAC 0.00002.
gnomAD v4.1: 6 of 1,613,046 alleles (0.00037%); highest among the groups gnomAD compares: Middle Eastern, 0.033%; no homozygotes.

Submission:

CeGaT Center for Human Genetics Tuebingen
Classification: Uncertain significance. Last evaluated: 2024-01-01. Review status: criteria provided, single submitter. Criteria: CeGaT Center For Human Genetics Tuebingen Variant Classification Criteria Version 2. Collection method: clinical testing. Allele origin: germline. Affected: yes. Observed: 1 variant allele.
Comment: PIGQ: PM2, BP4